The following is an entry in ClinVar:

NM_001385125.1(OPN1SW):c.497T>C (p.Phe166Ser)

Gene: OPN1SW (opsin 1, short wave sensitive; minus strand). Cytogenetic location: 7q32.1.
Variant type: single nucleotide variant.
Coding change: c.497T>C on transcript NM_001385125.1 (MANE Select); coding-DNA position 497, T replaced by C.
Protein change: p.Phe166Ser; replaces phenylalanine 166 with serine.
Molecular consequence: missense variant.
Genome position (GRCh38, 1-based): chr7:128,775,001, A>G on the plus strand (T>C on the coding strand, the complement: OPN1SW is on the minus strand). VCF-style: chr7-128775001-A-G. GRCh37 (hg19) VCF-style: chr7-128415055-A-G.
Other names: short protein forms F166S.
Identifiers: ClinVar variation 1400549 (VCV001400549.6), dbSNP rs1168350064, ClinGen allele CA369220179.
Genomic context (GRCh38, chr7:128,775,001, plus strand): 5'-ACCTGAGCTCCTAGTTAACTCAGCACCACTGCCCTGCACTCTCACCGGCTCCAGCCAAAG[A>G]AGGGTGGGATGGAGACGCCAATACCAATGGTCCAGGTAGCCAGGACCACCGTCAGTGCAT-3'
Protein context (NP_001372054.1, residues 156-176): TIGIGVSIPP[Phe166Ser]FGWSRFIPEG

ClinVar aggregate classification (germline): Uncertain significance (1 of 4 stars; one submission).

Allele frequency attached by ClinVar (database versions not stated): gnomAD exomes below 0.00001.

Submission:

Labcorp Genetics (formerly Invitae), Labcorp
Classification: Uncertain significance. Last evaluated: 2023-01-17. Review status: criteria provided, single submitter. Criteria: Invitae Variant Classification Sherloc (09022015). Collection method: clinical testing. Allele origin: germline.
Comment: In summary, the available evidence is currently insufficient to determine the role of this variant in disease. Therefore, it has been classified as a Variant of Uncertain Significance. Algorithms developed to predict the effect of missense changes on protein structure and function (SIFT, PolyPhen-2, Align-GVGD) all suggest that this variant is likely to be disruptive. ClinVar contains an entry for this variant (Variation ID: 1400549). This variant has not been reported in the literature in individuals affected with OPN1SW-related conditions. This variant is present in population databases (no rsID available, gnomAD 0.0009%). This sequence change replaces phenylalanine, which is neutral and non-polar, with serine, which is neutral and polar, at codon 169 of the OPN1SW protein (p.Phe169Ser).